The following is an entry in ClinVar:

ClinVar aggregate classification (germline): Likely benign. Review status: criteria provided, multiple submitters, no conflicts (2 of 4 stars). 2 submissions from 2 submitters: Likely benign (2). Last evaluated 2025-07-14.

Allele frequency attached by ClinVar (database versions not stated): TOPMed 0.00011; gnomAD 0.00019.
gnomAD v4.1: 35 of 1,589,424 alleles (0.0022%); highest among the groups gnomAD compares: African/African-American, 0.041%; no homozygotes.

Submissions (2):

Labcorp Genetics (formerly Invitae), Labcorp
Classification: Likely benign. Last evaluated: 2025-07-14. Review status: criteria provided, single submitter. Criteria: Invitae Variant Classification Sherloc (09022015). Collection method: clinical testing. Allele origin: germline.

GeneDx
Classification: Likely benign. Last evaluated: 2018-05-15. Review status: criteria provided, single submitter. Criteria: GeneDx Variant Classification (06012015). Collection method: clinical testing. Allele origin: germline. Affected: yes.
Comment: This variant is considered likely benign or benign based on one or more of the following criteria: it is a conservative change, it occurs at a poorly conserved position in the protein, it is predicted to be benign by multiple in silico algorithms, and/or has population frequency not consistent with disease.

NM_024678.6(NARS2):c.513+20C>T

Gene: NARS2 (asparaginyl-tRNA synthetase 2, mitochondrial; minus strand). Cytogenetic location: 11q14.1.
Variant type: single nucleotide variant.
Coding change: c.513+20C>T on transcript NM_024678.6 (MANE Select); 20 bases into the intron after coding-DNA position 513, C replaced by T.
Molecular consequence: intron variant.
Genome position (GRCh38, 1-based): chr11:78,566,112, G>A on the plus strand (C>T on the coding strand, the complement: NARS2 is on the minus strand). VCF-style: chr11-78566112-G-A. GRCh37 (hg19) VCF-style: chr11-78277158-G-A.
Other names: c.-169+20C>T (NM_001243251.2).
Identifiers: ClinVar variation 682530 (VCV000682530.5), dbSNP rs193027292, ClinGen allele CA6205822.